The following is an entry in ClinVar:

ClinVar aggregate classification (germline): Uncertain significance. Review status: criteria provided, multiple submitters, no conflicts (2 of 4 stars). 2 submissions from 2 submitters: Uncertain significance (2). Last evaluated 2025-01-15.

Conditions:
Inborn genetic diseases. Identifiers: MedGen C0950123, MeSH D030342.
Epilepsy. Also called: Seizure disorder. Identifiers: MedGen C0014544, MeSH D004827, MONDO:0005027.

Allele frequency attached by ClinVar (database versions not stated): gnomAD exomes 0.00001 and 0.00002; TOPMed 0.00002; ExAC 0.00003; gnomAD 0.00001.
gnomAD v4.1: 16 of 1,612,068 alleles (0.00099%); highest among the groups gnomAD compares: South Asian, 0.0044%; no homozygotes.

Submissions (2):

Ambry Genetics
Classification: Uncertain significance for Inborn genetic diseases. Last evaluated: 2025-01-15. Review status: criteria provided, single submitter. Criteria: Ambry Variant Classification Scheme 2023. Collection method: clinical testing. Allele origin: germline.

Labcorp Genetics (formerly Invitae), Labcorp
Classification: Uncertain significance for Epilepsy. Last evaluated: 2024-10-17. Review status: criteria provided, single submitter. Criteria: Invitae Variant Classification Sherloc (09022015). Collection method: clinical testing. Allele origin: germline.
Comment: This sequence change replaces arginine, which is basic and polar, with cysteine, which is neutral and slightly polar, at codon 545 of the PIGQ protein (p.Arg545Cys). This variant is present in population databases (rs775925962, gnomAD 0.01%). This variant has not been reported in the literature in individuals affected with PIGQ-related conditions. ClinVar contains an entry for this variant (Variation ID: 935097). An algorithm developed to predict the effect of missense changes on protein structure and function (PolyPhen-2) suggests that this variant is likely to be disruptive. In summary, the available evidence is currently insufficient to determine the role of this variant in disease. Therefore, it has been classified as a Variant of Uncertain Significance.

NM_004204.5(PIGQ):c.1633C>T (p.Arg545Cys)

Gene: PIGQ (phosphatidylinositol glycan anchor biosynthesis class Q; plus strand). Cytogenetic location: 16p13.3.
Variant type: single nucleotide variant.
Coding change: c.1633C>T on transcript NM_004204.5 (MANE Select); coding-DNA position 1633, C replaced by T.
Protein change: p.Arg545Cys; replaces arginine 545 with cysteine.
Molecular consequence: missense variant.
Genome position (GRCh38, 1-based): chr16:582,922, C>T. VCF-style: chr16-582922-C-T. GRCh37 (hg19) VCF-style: chr16-632922-C-T.
Other names: c.1571C>T, p.Pro524Leu (NM_148920.4); c.1571C>T (NM_148920.1); short protein forms P524L, R545C.
Identifiers: ClinVar variation 935097 (VCV000935097.10), dbSNP rs775925962, ClinGen allele CA7780499.